The following is an entry in ClinVar:

ClinVar aggregate classification (germline): Uncertain significance (1 of 4 stars; one submission).

Submission:

Women's Health and Genetics/Laboratory Corporation of America, LabCorp
Classification: Uncertain significance. Last evaluated: 2026-04-29. Review status: criteria provided, single submitter. Criteria: LabCorp Variant Classification Summary - May 2015. Collection method: clinical testing. Allele origin: germline.
Comment: Variant summary: CHD5 c.4394+5delA alters a nucleotide located close to a canonical splice site and therefore could affect mRNA splicing, leading to a significantly altered protein sequence. Consensus agreement among computation tools predict no significant impact on normal splicing. However, these predictions have yet to be confirmed by functional studies. The variant was absent in 197762 control chromosomes. The available data on variant occurrences in the general population are insufficient to allow any conclusion about variant significance. To our knowledge, no occurrence of c.4394+5delA in individuals affected with CHD5-related conditions and no experimental evidence demonstrating its impact on protein function have been reported. No submitters have cited clinical-significance assessments for this variant to ClinVar. Based on the evidence outlined above, the variant was classified as uncertain significance.

NM_015557.3(CHD5):c.4394+5del

Gene: CHD5 (chromodomain helicase DNA binding protein 5; minus strand). Cytogenetic location: 1p36.31.
Variant type: Deletion.
Coding change: c.4394+5del on transcript NM_015557.3 (MANE Select); 5 bases into the intron after coding-DNA position 4394, one base deleted (A; older notation c.4394+5delA).
Molecular consequence: intron variant.
Genome position (GRCh38, 1-based): chr1:6,125,095, T deleted on the plus strand (A on the coding strand, the reverse complement: CHD5 is on the minus strand); the first of 3 consecutive T bases (chr1:6,125,095-6,125,097); deleting any one gives the same sequence. VCF-style (leftmost placement, unchanged base first): chr1-6125094-CT-C. GRCh37 (hg19) VCF-style: chr1-6185154-CT-C.
Other names: c.4394+5delA (NM_015557.3).
Identifiers: ClinVar variation 4848344 (VCV004848344.1).